The following is an entry in ClinVar:

NM_201548.5(CERKL):c.1176G>C (p.Trp392Cys)

Gene: CERKL (CERK like autophagy regulator; minus strand). Cytogenetic location: 2q31.3.
Variant type: single nucleotide variant.
Coding change: c.1176G>C on transcript NM_201548.5 (MANE Select); coding-DNA position 1176, G replaced by C.
Protein change: p.Trp392Cys; replaces tryptophan 392 with cysteine.
Molecular consequence: missense variant. On other transcripts: non-coding transcript variant (2).
Genome position (GRCh38, 1-based): chr2:181,547,710, C>G on the plus strand (G>C on the coding strand, the complement: CERKL is on the minus strand). VCF-style: chr2-181547710-C-G. GRCh37 (hg19) VCF-style: chr2-182412437-C-G.
Other names: c.1254G>C, p.Trp418Cys (NM_001030311.3); c.837G>C, p.Trp279Cys (NM_001030312.3); c.969G>C, p.Trp323Cys (NM_001030313.3); c.1122G>C, p.Trp374Cys (NM_001160277.2); short protein forms W323C, W392C, W279C, W374C, W418C.
Identifiers: ClinVar variation 1382845 (VCV001382845.5), dbSNP rs2105801642, ClinGen allele CA349735642.

ClinVar aggregate classification (germline): Uncertain significance (1 of 4 stars; one submission).

Submission:

Labcorp Genetics (formerly Invitae), Labcorp
Classification: Uncertain significance. Last evaluated: 2024-02-17. Review status: criteria provided, single submitter. Criteria: Invitae Variant Classification Sherloc (09022015). Collection method: clinical testing. Allele origin: germline.
Comment: This sequence change replaces tryptophan, which is neutral and slightly polar, with cysteine, which is neutral and slightly polar, at codon 418 of the CERKL protein (p.Trp418Cys). This variant is not present in population databases (gnomAD no frequency). This variant has not been reported in the literature in individuals affected with CERKL-related conditions. ClinVar contains an entry for this variant (Variation ID: 1382845). Advanced modeling of protein sequence and biophysical properties (such as structural, functional, and spatial information, amino acid conservation, physicochemical variation, residue mobility, and thermodynamic stability) performed at Invitae indicates that this missense variant is expected to disrupt CERKL protein function with a positive predictive value of 80%. In summary, the available evidence is currently insufficient to determine the role of this variant in disease. Therefore, it has been classified as a Variant of Uncertain Significance.